The following is an entry in ClinVar:

ClinVar aggregate classification (germline): Benign/Likely benign. Review status: criteria provided, multiple submitters, no conflicts (2 of 4 stars). 4 submissions from 4 submitters: Benign (1); Likely benign (3). Last evaluated 2026-01-27.

Conditions:
Mitochondrial complex II deficiency, nuclear type 1. Also called: SUCCINATE CoQ REDUCTASE DEFICIENCY. Identifiers: Orphanet 3208, MedGen C5700310, MONDO:0100294, OMIM 252011.
Pheochromocytoma/paraganglioma syndrome 5. Also called: Paragangliomas 5; SDHA-Related Hereditary Paraganglioma-Pheochromocytoma Syndrome. Identifiers: Orphanet 29072, MedGen C3279992, MONDO:0013602, OMIM 614165.
Hereditary cancer-predisposing syndrome. Also called: Neoplastic Syndromes, Hereditary; Hereditary Cancer Syndrome; Hereditary neoplastic syndrome; Tumor predisposition. Identifiers: Orphanet 140162, MedGen C0027672, MeSH D009386, MONDO:0015356.

Allele frequency attached by ClinVar (database versions not stated): TOPMed 0.00001.
gnomAD v4.1: 6 of 1,613,956 alleles (0.00037%); highest among the groups gnomAD compares: Non-Finnish European, 0.00034%; no homozygotes.

Submissions (4):

Labcorp Genetics (formerly Invitae), Labcorp
Classification: Likely benign for Pheochromocytoma/paraganglioma syndrome 5; Mitochondrial complex II deficiency, nuclear type 1. Last evaluated: 2026-01-27. Review status: criteria provided, single submitter. Criteria: Invitae Variant Classification Sherloc (09022015). Collection method: clinical testing. Allele origin: germline.

Myriad Genetics, Inc.
Classification: Benign for Pheochromocytoma/paraganglioma syndrome 5. Last evaluated: 2025-03-04. Review status: criteria provided, single submitter. Criteria: Myriad Autosomal Dominant, Autosomal Recessive and X-Linked Classification Criteria (2023). Collection method: clinical testing. Allele origin: unknown.
Comment: This variant is considered benign. This variant is a silent/synonymous amino acid change and it is not expected to impact splicing.

Women's Health and Genetics/Laboratory Corporation of America, LabCorp
Classification: Likely benign. Last evaluated: 2024-02-29. Review status: criteria provided, single submitter. Criteria: LabCorp Variant Classification Summary - May 2015. Collection method: clinical testing. Allele origin: germline.

Ambry Genetics
Classification: Likely benign for Hereditary cancer-predisposing syndrome. Last evaluated: 2020-03-05. Review status: criteria provided, single submitter. Criteria: Ambry Variant Classification Scheme 2023. Collection method: clinical testing. Allele origin: germline.

Literature cited by the submitters: PubMed 25494863 (cited by Ambry Genetics).

NM_004168.4(SDHA):c.969C>A (p.Gly323=)

Gene: SDHA (succinate dehydrogenase complex flavoprotein subunit A; plus strand). Cytogenetic location: 5p15.33.
Variant type: single nucleotide variant.
Coding change: c.969C>A on transcript NM_004168.4 (MANE Select); coding-DNA position 969, C replaced by A.
Protein change: p.Gly323=; no amino-acid change (glycine 323 retained).
Molecular consequence: synonymous variant.
Genome position (GRCh38, 1-based): chr5:233,550, C>A. VCF-style: chr5-233550-C-A. GRCh37 (hg19) VCF-style: chr5-233665-C-A.
Other names: c.825C>A, p.Gly275= (NM_001294332.2); c.969C>A, p.Gly323= (NM_001330758.2).
Identifiers: ClinVar variation 472421 (VCV000472421.16), dbSNP rs142849100, ClinGen allele CA3173047.
Genomic context (GRCh38, chr5:233,550, plus strand): 5'-TGGTTGTCTCATTACGGAAGGATGTCGTGGAGAGGGAGGCATTCTCATTAACAGTCAAGG[C>A]GAAAGGTTTATGGAGCGATACGCCCCTGTCGCGAAGGACCTGGCGTCTAGAGATGTGGTG-3'
Protein context (NP_004159.2, residues 313-333): GEGGILINSQ[Gly323=]ERFMERYAPV